The following is an entry in ClinVar:

NM_000089.4(COL1A2):c.2868C>T (p.Pro956=)

Gene: COL1A2 (collagen type I alpha 2 chain; plus strand). Cytogenetic location: 7q21.3.
Variant type: single nucleotide variant.
Coding change: c.2868C>T on transcript NM_000089.4 (MANE Select); coding-DNA position 2868, C replaced by T.
Protein change: p.Pro956=; no amino-acid change (proline 956 retained).
Molecular consequence: synonymous variant.
Genome position (GRCh38, 1-based): chr7:94,425,782, C>T. VCF-style: chr7-94425782-C-T. GRCh37 (hg19) VCF-style: chr7-94055094-C-T.
Identifiers: ClinVar variation 512158 (VCV000512158.14), dbSNP rs141516754, ClinGen allele CA4347586.
Genomic context (GRCh38, chr7:94,425,782, plus strand): 5'-ATGCTAAGCTTCATTTTGCCTTTGGTAGGGAGAGCGCGGTTACCCTGGCAATATTGGTCC[C>T]GTTGGTGCTGCAGGTGCACCTGGTCCTCATGGCCCCGTGGGTCCTGCTGGCAAACATGGA-3'
Protein context (NP_000080.2, residues 946-966): GERGYPGNIG[Pro956=]VGAAGAPGPH

ClinVar aggregate classification (germline): Conflicting classifications of pathogenicity. Review status: criteria provided, conflicting classifications (1 of 4 stars). 4 submissions from 4 submitters: Uncertain significance (1); Likely benign (3). Last evaluated 2025-12-08.

Conditions:
Cardiovascular phenotype. Identifiers: MedGen CN230736.
Osteogenesis imperfecta type I (OI1). Also called: OI, TYPE I; OSTEOGENESIS IMPERFECTA TARDA; OSTEOGENESIS IMPERFECTA WITH BLUE SCLERAE; Lobstein's Disease; Classic Non-deforming Osteogenesis Imperfecta with Blue Sclerae; Lobstein disease. Identifiers: Orphanet 216796, Orphanet 666, MedGen C0023931, MONDO:0008146, OMIM 166200. Disease mechanism: loss of function.
Ehlers-Danlos syndrome, classic type, 1 (EDSCL1). Also called: Ehlers-Danlos Syndrome, Classic Type, COL5A1-Related; EDS I; Ehlers-Danlos syndrome, type 1; EHLERS-DANLOS SYNDROME, GRAVIS TYPE; EHLERS-DANLOS SYNDROME, SEVERE CLASSIC TYPE. Identifiers: MedGen C0268335, MONDO:0019567, OMIM 130000.

Allele frequency attached by ClinVar (database versions not stated): gnomAD exomes 0.00005; ESP Exome Variant Server 0.00008; gnomAD 0.00003 and 0.00001; ExAC 0.00005; TOPMed 0.00006.
gnomAD v4.1: 109 of 1,613,078 alleles (0.0068%); highest among the groups gnomAD compares: Non-Finnish European, 0.0082%; no homozygotes.

Submissions (4):

Labcorp Genetics (formerly Invitae), Labcorp
Classification: Likely benign for Osteogenesis imperfecta type I; Ehlers-Danlos syndrome, classic type, 1. Last evaluated: 2025-12-08. Review status: criteria provided, single submitter. Criteria: Invitae Variant Classification Sherloc (09022015). Collection method: clinical testing. Allele origin: germline.

Women's Health and Genetics/Laboratory Corporation of America, LabCorp
Classification: Likely benign. Last evaluated: 2025-03-26. Review status: criteria provided, single submitter. Criteria: LabCorp Variant Classification Summary - May 2015. Collection method: clinical testing. Allele origin: germline.

Ambry Genetics
Classification: Uncertain significance for Cardiovascular phenotype. Last evaluated: 2025-01-10. Review status: criteria provided, single submitter. Criteria: Ambry Variant Classification Scheme 2023. Collection method: clinical testing. Allele origin: germline.
Comment: The c.2868C>T variant (also known as p.P956P), located in coding exon 44 of the COL1A2 gene, results from a C to T substitution at nucleotide position 2868. This nucleotide substitution does not change the amino acid at codon 956. This nucleotide position is poorly conserved in available vertebrate species. In silico splice site analysis for this alteration is inconclusive. Based on data from gnomAD, the frequency for this variant is above the maximum credible frequency for an autosomal dominant osteogenesis imperfecta/overlap disorder disease-causing variant in this gene based on internally established thresholds (Karczewski et al. Nature. 2020 May;581(7809):434-443; Whiffin et al. Genet Med. 2017 10;19:1151-1158). Based on the majority of available evidence to date, this variant is unlikely to be pathogenic for autosomal dominant COL1A2-related osteogenesis imperfecta/overlap disorder; however, its clinical significance for autosomal recessive COL1A2-related cardiac valvular type Ehlers-Danlos syndrome is uncertain.

GeneDx
Classification: Likely benign. Last evaluated: 2017-09-19. Review status: criteria provided, single submitter. Criteria: GeneDx Variant Classification (06012015). Collection method: clinical testing. Allele origin: germline. Affected: yes.
Comment: This variant is considered likely benign or benign based on one or more of the following criteria: it is a conservative change, it occurs at a poorly conserved position in the protein, it is predicted to be benign by multiple in silico algorithms, and/or has population frequency not consistent with disease.